The following is an entry in ClinVar:

NM_000179.3(MSH6):c.3096C>T (p.Cys1032=)

Gene: MSH6 (mutS homolog 6; plus strand). Cytogenetic location: 2p16.3.
Variant type: single nucleotide variant.
Coding change: c.3096C>T on transcript NM_000179.3 (MANE Select); coding-DNA position 3096, C replaced by T.
Protein change: p.Cys1032=; no amino-acid change (cysteine 1032 retained).
Molecular consequence: synonymous variant.
Genome position (GRCh38, 1-based): chr2:47,801,079, C>T. VCF-style: chr2-47801079-C-T. GRCh37 (hg19) VCF-style: chr2-48028218-C-T.
Other names: c.2706C>T, p.Cys902= (NM_001281492.2); c.2190C>T, p.Cys730= (NM_001281493.2, NM_001281494.2).
Identifiers: ClinVar variation 491923 (VCV000491923.9), dbSNP rs1553414502, ClinGen allele CA426121849.

ClinVar aggregate classification (germline): Conflicting classifications of pathogenicity. Review status: criteria provided, conflicting classifications (1 of 4 stars). 6 submissions from 6 submitters: Uncertain significance (1); Benign (1); Likely benign (4). Last evaluated 2025-06-20.

Conditions:
Lynch syndrome. Identifiers: Orphanet 144, MedGen C4552100, MONDO:0005835. Disease mechanism: loss of function.
Hereditary cancer-predisposing syndrome. Also called: Hereditary neoplastic syndrome; Tumor predisposition; Hereditary Cancer Syndrome; Neoplastic Syndromes, Hereditary. Identifiers: Orphanet 140162, MedGen C0027672, MeSH D009386, MONDO:0015356.
Lynch syndrome 5 (LYNCH5). Also called: Colorectal cancer, hereditary nonpolyposis, type 5; Hereditary non-polyposis colorectal cancer, type 5. Identifiers: Orphanet 144, MedGen C1833477, MONDO:0013710, OMIM 614350. Disease mechanism: loss of function.
Hereditary nonpolyposis colorectal neoplasms. Identifiers: MedGen C0009405, MeSH D003123.

Submissions (6):

Women's Health and Genetics/Laboratory Corporation of America, LabCorp
Classification: Likely benign. Last evaluated: 2025-06-20. Review status: criteria provided, single submitter. Criteria: LabCorp Variant Classification Summary - May 2015. Collection method: clinical testing. Allele origin: germline.

Labcorp Genetics (formerly Invitae), Labcorp
Classification: Likely benign for Hereditary nonpolyposis colorectal neoplasms. Last evaluated: 2025-01-14. Review status: criteria provided, single submitter. Criteria: Invitae Variant Classification Sherloc (09022015). Collection method: clinical testing. Allele origin: germline.

Myriad Genetics, Inc.
Classification: Benign for Lynch syndrome 5. Last evaluated: 2025-01-03. Review status: criteria provided, single submitter. Criteria: Myriad Autosomal Dominant, Autosomal Recessive and X-Linked Classification Criteria (2023). Collection method: clinical testing. Allele origin: unknown.
Comment: This variant is considered benign. This variant is a silent/synonymous amino acid change and it is not expected to impact splicing.

Ambry Genetics
Classification: Likely benign for Hereditary cancer-predisposing syndrome. Last evaluated: 2023-10-22. Review status: criteria provided, single submitter. Criteria: Ambry Variant Classification Scheme 2023. Collection method: clinical testing. Allele origin: germline.

Department of Pathology and Laboratory Medicine, Sinai Health System
Classification: Uncertain significance for Lynch syndrome. Last evaluated: 2022-06-28. Review status: criteria provided, single submitter. Criteria: ACMG Guidelines, 2015. Collection method: clinical testing. Allele origin: germline. Affected: yes.

Color Diagnostics, LLC DBA Color Health
Classification: Likely benign for Hereditary cancer-predisposing syndrome. Last evaluated: 2016-11-03. Review status: criteria provided, single submitter. Criteria: ACMG Guidelines, 2015. Collection method: clinical testing. Allele origin: germline.